The following is an entry in ClinVar:

ClinVar aggregate classification (germline): Benign. Review status: criteria provided, multiple submitters, no conflicts (2 of 4 stars). 3 submissions from 3 submitters: Benign (3). Last evaluated 2026-02-03.

Conditions:
Retinitis pigmentosa (RP). Identifiers: Orphanet 791, MedGen C0035334, MeSH D012174, MONDO:0019200, OMIM 268000. Inheritance: Autosomal dominant, autosomal recessive and X linked inheritance.

Allele frequency attached by ClinVar (database versions not stated): gnomAD exomes 0.11915 and 0.12393; ExAC 0.13183; gnomAD 0.14708 and 0.14735; ESP Exome Variant Server 0.14778; TOPMed 0.14868; 1000 Genomes Project 0.15855.
gnomAD v4.1: 196,497 of 1,610,078 alleles (12%); highest among the groups gnomAD compares: African/African-American, 24%; 13,522 homozygotes.

Submissions (3):

Labcorp Genetics (formerly Invitae), Labcorp
Classification: Benign. Last evaluated: 2026-02-03. Review status: criteria provided, single submitter. Criteria: Invitae Variant Classification Sherloc (09022015). Collection method: clinical testing. Allele origin: germline.

Illumina Laboratory Services, Illumina
Classification: Benign for Retinitis pigmentosa. Last evaluated: 2018-01-12. Review status: criteria provided, single submitter. Criteria: ICSL Variant Classification Criteria 13 December 2019. Collection method: clinical testing. Allele origin: germline.
Comment: This variant was observed in the ICSL laboratory as part of a predisposition screen in an ostensibly healthy population. It had not been previously curated by ICSL or reported in the Human Gene Mutation Database (HGMD: prior to June 1st, 2018), and was therefore a candidate for classification through an automated scoring system. Utilizing variant allele frequency, disease prevalence and penetrance estimates, and inheritance mode, an automated score was calculated to assess if this variant is too frequent to cause the disease. Based on the score and internal cut-off values, a variant classified as benign is not then subjected to further curation. The score for this variant resulted in a classification of benign for this disease.

Breakthrough Genomics
Classification: Benign. Review status: criteria provided, single submitter. Criteria: ACMG Guidelines, 2015. Collection method: not provided. Allele origin: germline. Inheritance: Autosomal dominant inheritance. Affected: yes.

NM_012469.4(PRPF6):c.2431+15C>T

Gene: PRPF6 (pre-mRNA processing factor 6; plus strand). Cytogenetic location: 20q13.33.
Variant type: single nucleotide variant.
Coding change: c.2431+15C>T on transcript NM_012469.4 (MANE Select); 15 bases into the intron after coding-DNA position 2431, C replaced by T.
Molecular consequence: intron variant.
Genome position (GRCh38, 1-based): chr20:64,028,584, C>T. VCF-style: chr20-64028584-C-T. GRCh37 (hg19) VCF-style: chr20-62659937-C-T.
Identifiers: ClinVar variation 339483 (VCV000339483.14), dbSNP rs41278240, ClinGen allele CA9972470.